The following is an entry in ClinVar:

NM_001009944.3(PKD1):c.9282C>G (p.Ile3094Met)

Gene: PKD1 (polycystin 1, transient receptor potential channel interacting; minus strand). Cytogenetic location: 16p13.3.
Variant type: single nucleotide variant.
Coding change: c.9282C>G on transcript NM_001009944.3 (MANE Select); coding-DNA position 9282, C replaced by G.
Protein change: p.Ile3094Met; replaces isoleucine 3094 with methionine.
Molecular consequence: missense variant.
Genome position (GRCh38, 1-based): chr16:2,102,176, G>C on the plus strand (C>G on the coding strand, the complement: PKD1 is on the minus strand). VCF-style: chr16-2102176-G-C. GRCh37 (hg19) VCF-style: chr16-2152177-G-C.
Other names: c.9282C>G, p.Ile3094Met (NM_000296.4); short protein forms I3094M.
Identifiers: ClinVar variation 4988642 (VCV004988642.1).
Genomic context (GRCh38, chr16:2,102,176, plus strand): 5'-CTGCCCACAGAAAGGGATGGCGCGGCCCCGGCTGGCATCCAACTGGTCCAGCTTGTGCAG[G>C]ATGGCGGCCATGACCATGTAGGTCACCAGGCACACAGCACATGTCAGCATGACGATGTAG-3'
Protein context (NP_001009944.3, residues 3084-3104): CLVTYMVMAA[Ile3094Met]LHKLDQLDAS

ClinVar aggregate classification (germline): Uncertain significance (1 of 4 stars; one submission).

Conditions:
PKD1-related disorder. Also called: PKD1-related condition.

gnomAD v4.1: 11 of 1,543,350 alleles (0.00071%); highest among the groups gnomAD compares: Non-Finnish European, 0.00089%; no homozygotes.

Submission:

PreventionGenetics, part of Exact Sciences
Classification: Uncertain significance for PKD1-related condition. Last evaluated: 2026-04-04. Review status: criteria provided, single submitter. Criteria: ACMG Guidelines, 2015. Collection method: clinical testing. Allele origin: germline.
Comment: The PKD1 c.9282C>G variant is predicted to result in the amino acid substitution p.Ile3094Met. To our knowledge, this variant has not been reported in the literature. This variant is reported in 0.0025% of alleles in individuals of European (Non-Finnish) descent in gnomAD. At this time, the clinical significance of this variant is uncertain due to the absence of conclusive functional and genetic evidence.